The following is an entry in ClinVar:

ClinVar aggregate classification (germline): Likely benign. Review status: criteria provided, multiple submitters, no conflicts (2 of 4 stars). 2 submissions from 2 submitters: Likely benign (2). Last evaluated 2026-04-17.

Conditions:
Spastic paraplegia. Identifiers: MedGen C0037772, HP:0001258.
SACS-related disorder. Also called: SACS-related condition.

Allele frequency attached by ClinVar (database versions not stated): gnomAD 0.00001 and 0.00002; gnomAD exomes 0.00002 and 0.00003; ExAC 0.00003; TOPMed 0.00003; 1000 Genomes Project 0.00020; 1000 Genomes Project 30x 0.00031.
gnomAD v4.1: 32 of 1,613,818 alleles (0.002%); highest among the groups gnomAD compares: African/African-American, 0.0027%; no homozygotes.

Submissions (2):

PreventionGenetics, part of Exact Sciences
Classification: Likely benign for SACS-related condition. Last evaluated: 2026-04-17. Review status: criteria provided, single submitter. Criteria: ACMG Guidelines, 2015. Collection method: clinical testing. Allele origin: germline.
Comment: This variant is classified as likely benign based on ACMG/AMP sequence variant interpretation guidelines (Richards et al. 2015 PMID: 25741868, with internal and published modifications).

Labcorp Genetics (formerly Invitae), Labcorp
Classification: Likely benign for Spastic paraplegia. Last evaluated: 2026-01-06. Review status: criteria provided, single submitter. Criteria: Invitae Variant Classification Sherloc (09022015). Collection method: clinical testing. Allele origin: germline.

NM_014363.6(SACS):c.5970C>T (p.Asn1990=)

Gene: SACS (sacsin molecular chaperone; minus strand). Cytogenetic location: 13q12.12.
Variant type: single nucleotide variant.
Coding change: c.5970C>T on transcript NM_014363.6 (MANE Select); coding-DNA position 5970, C replaced by T.
Protein change: p.Asn1990=; no amino-acid change (asparagine 1990 retained).
Molecular consequence: synonymous variant.
Genome position (GRCh38, 1-based): chr13:23,337,906, G>A on the plus strand (C>T on the coding strand, the complement: SACS is on the minus strand). VCF-style: chr13-23337906-G-A. GRCh37 (hg19) VCF-style: chr13-23912045-G-A.
Other names: c.5970C>T (NM_014363.5); c.5529C>T, p.Asn1843= (NM_001278055.2).
Identifiers: ClinVar variation 1108856 (VCV001108856.10), dbSNP rs199573269, ClinGen allele CA6911162.
Genomic context (GRCh38, chr13:23,337,906, plus strand): 5'-CTTGAAGGCTGCTGAACCAACATCTCTTCTTTTAAGTATAGAGTCATCTAGAAATCTTAC[G>A]TTCTTCATGGAAACCCAAGTAGATCCATCAGAGAAGACTTTGGTCAGTTCTTTCCCTTTT-3'
Protein context (NP_055178.3, residues 1980-2000): SDGSTWVSMK[Asn1990=]VRFLDDSILK